The following is an entry in ClinVar:

NM_005228.5(EGFR):c.3626G>C (p.Gly1209Ala)

Gene: EGFR (epidermal growth factor receptor; plus strand). Cytogenetic location: 7p11.2.
Variant type: single nucleotide variant.
Coding change: c.3626G>C on transcript NM_005228.5 (MANE Select); coding-DNA position 3626, G replaced by C.
Protein change: p.Gly1209Ala; replaces glycine 1209 with alanine.
Molecular consequence: missense variant.
Genome position (GRCh38, 1-based): chr7:55,205,610, G>C. VCF-style: chr7-55205610-G-C. GRCh37 (hg19) VCF-style: chr7-55273303-G-C.
Other names: c.3491G>C, p.Gly1164Ala (NM_001346899.2); c.3467G>C, p.Gly1156Ala (NM_001346900.2); c.2825G>C, p.Gly942Ala (NM_001346941.2); short protein forms G1156A, G1209A, G1164A, G942A.
Identifiers: ClinVar variation 1943918 (VCV001943918.6), dbSNP rs1788079057, ClinGen allele CA367585042.

ClinVar aggregate classification (germline): Uncertain significance. Review status: criteria provided, multiple submitters, no conflicts (2 of 4 stars). 2 submissions from 2 submitters: Uncertain significance (2). Last evaluated 2024-12-28.

Conditions:
Hereditary cancer-predisposing syndrome. Also called: Tumor predisposition; Hereditary neoplastic syndrome; Neoplastic Syndromes, Hereditary; Hereditary Cancer Syndrome. Identifiers: Orphanet 140162, MedGen C0027672, MeSH D009386, MONDO:0015356.
EGFR-related lung cancer (EGFR). Identifiers: MedGen CN130014.

Allele frequency attached by ClinVar (database versions not stated): gnomAD exomes below 0.00001; TOPMed below 0.00001; gnomAD 0.00001.
gnomAD v4.1: 4 of 1,614,048 alleles (0.00025%); highest among the groups gnomAD compares: Non-Finnish European, 0.00034%; no homozygotes.

Submissions (2):

Labcorp Genetics (formerly Invitae), Labcorp
Classification: Uncertain significance for EGFR-related lung cancer. Last evaluated: 2024-12-28. Review status: criteria provided, single submitter. Criteria: Invitae Variant Classification Sherloc (09022015). Collection method: clinical testing. Allele origin: germline.
Comment: This sequence change replaces glycine, which is neutral and non-polar, with alanine, which is neutral and non-polar, at codon 1209 of the EGFR protein (p.Gly1209Ala). This variant is not present in population databases (gnomAD no frequency). This variant has not been reported in the literature in individuals affected with EGFR-related conditions. ClinVar contains an entry for this variant (Variation ID: 1943918). An algorithm developed to predict the effect of missense changes on protein structure and function (PolyPhen-2) suggests that this variant is likely to be tolerated. In summary, the available evidence is currently insufficient to determine the role of this variant in disease. Therefore, it has been classified as a Variant of Uncertain Significance.

Ambry Genetics
Classification: Uncertain significance for Hereditary cancer-predisposing syndrome. Last evaluated: 2024-11-22. Review status: criteria provided, single submitter. Criteria: Ambry Variant Classification Scheme 2023. Collection method: clinical testing. Allele origin: germline.
Comment: The p.G1209A variant (also known as c.3626G>C), located in coding exon 28 of the EGFR gene, results from a G to C substitution at nucleotide position 3626. The glycine at codon 1209 is replaced by alanine, an amino acid with similar properties. This amino acid position is conserved. In addition, this alteration is predicted to be tolerated by in silico analysis. Based on the available evidence, the clinical significance of this variant remains unclear.